The following is an entry in ClinVar:

ClinVar aggregate classification (germline): Uncertain significance (1 of 4 stars; one submission).

Submission:

Clinical Genomics Laboratory, Stanford Medicine
Classification: Uncertain significance. Last evaluated: 2021-12-30. Review status: criteria provided, single submitter. Criteria: ACMG Guidelines, 2015. Collection method: clinical testing. Allele origin: germline. Affected: yes. Observed: 1 heterozygote.
Comment: This deletion includes exon 1 of the PDLIM3 gene. The breakpoints of this deletion are unknown as they extend beyond the interrogated PDLIM3 coding region and therefore may encompass additional genomic material. Overlapping and similar-sized deletions involving the PDLIM3 gene have been previously reported in 1 individual with HCM who had a deletion of exons 1-4 of the PDLIM3 gene (Lopes et al., 2015). Similar-sized deletions involving exon 1 of the PDLIM3 gene are not present in population databases, including the Genome Aggregation Database and the Database of Genomic Variants. This deletion removes 1 out of 8 exons of the PDLIM3 gene and the impact of this is unknown. This deletion could result in no protein or a truncated protein that utilizes an alternate Met in exon 2. Heterozygous loss of function has not been established as a mechanism of disease for the PDLIM3 gene. These data were assessed using the ACMG/ClinGen copy number variant interpretation guidelines. In summary, the significance of the deletion of exon 1 of the PDLIM3 is uncertain. Additional information is needed to resolve the significance of this variant.

NM_014476.5:c.(?_1)_(93_?)del

Gene: PDLIM3 (PDZ and LIM domain 3; minus strand).
Variant type: Deletion.
Identifiers: ClinVar variation 3256718 (VCV003256718.1).